The following is an entry in ClinVar:

NM_000138.5(FBN1):c.7802A>G (p.Gln2601Arg)

Gene: FBN1 (fibrillin 1; minus strand). Cytogenetic location: 15q21.1.
Variant type: single nucleotide variant.
Coding change: c.7802A>G on transcript NM_000138.5 (MANE Select); coding-DNA position 7802, A replaced by G.
Protein change: p.Gln2601Arg; replaces glutamine 2601 with arginine.
Molecular consequence: missense variant.
Genome position (GRCh38, 1-based): chr15:48,420,704, T>C on the plus strand (A>G on the coding strand, the complement: FBN1 is on the minus strand). VCF-style: chr15-48420704-T-C. GRCh37 (hg19) VCF-style: chr15-48712901-T-C.
Other names: short protein forms Q2601R.
Identifiers: ClinVar variation 922215 (VCV000922215.6), dbSNP rs1455161701, ClinGen allele CA392324474.

ClinVar aggregate classification (germline): Uncertain significance. Review status: criteria provided, multiple submitters, no conflicts (2 of 4 stars). 2 submissions from 2 submitters: Uncertain significance (2). Last evaluated 2024-03-05.

Conditions:
Familial thoracic aortic aneurysm and aortic dissection (TAAD). Also called: Thoracic aortic aneurysms and dissections. Identifiers: Orphanet 91387, MedGen C4707243, MONDO:0019625.
Marfan syndrome (MFS). Also called: Marfan syndrome, classic; Marfan syndrome type 1; Marfan's syndrome; FBN1-Related Marfan Syndrome; MARFAN SYNDROME, TYPE I. Identifiers: Orphanet 284963, Orphanet 558, MedGen C0024796, MONDO:0007947, OMIM 154700.

gnomAD v4.1: 1 of 1,614,172 alleles (0.000062%); no homozygotes.

Submissions (2):

All of Us Research Program, National Institutes of Health
Classification: Uncertain significance for Marfan syndrome. Last evaluated: 2024-03-05. Review status: criteria provided, single submitter. Criteria: ACMG Guidelines, 2015. Collection method: clinical testing. Allele origin: germline. Inheritance: Autosomal dominant inheritance. Observed: 1 variant allele, 1 heterozygote.
Comment: This missense variant replaces glutamine with arginine at codon 2601 of the FBN1 protein. Computational prediction tools and conservation analyses are inconclusive regarding the impact of this variant on the protein function. Computational splicing tools suggest that this variant may not impact RNA splicing. To our knowledge, functional assays have not been performed for this variant nor has this variant been reported in individuals affected with cardiovascular disorders in the literature. This variant has been identified in 1/31392 chromosomes in the general population by the Genome Aggregation Database (gnomAD). Available evidence is insufficient to determine the role of this variant in disease conclusively. Therefore, this variant is classified as a Variant of Uncertain Significance.

This study involves interpretation of variants in research participants for the purpose of population health screening. Participant phenotype was not available at the time of variant classification. Additional details can be found in publication PMID: 35346344, PMCID: PMC8962531

Color Diagnostics, LLC DBA Color Health
Classification: Uncertain significance for Familial thoracic aortic aneurysm and aortic dissection. Last evaluated: 2023-12-05. Review status: criteria provided, single submitter. Criteria: ACMG Guidelines, 2015. Collection method: clinical testing. Allele origin: germline.
Comment: This missense variant replaces glutamine with arginine at codon 2601 of the FBN1 protein. Computational prediction tools and conservation analyses are inconclusive regarding the impact of this variant on the protein function. Computational splicing tools suggest that this variant may not impact RNA splicing. To our knowledge, functional assays have not been performed for this variant nor has this variant been reported in individuals affected with cardiovascular disorders in the literature. This variant has been identified in 1/31392 chromosomes in the general population by the Genome Aggregation Database (gnomAD). Available evidence is insufficient to determine the role of this variant in disease conclusively. Therefore, this variant is classified as a Variant of Uncertain Significance.